The following is an entry in ClinVar:

ClinVar aggregate classification (germline): Uncertain significance (1 of 4 stars; one submission).

Submission:

Ambry Genetics
Classification: Uncertain significance. Last evaluated: 2022-05-24. Review status: criteria provided, single submitter. Criteria: Ambry Variant Classification Scheme 2023. Collection method: clinical testing. Allele origin: germline.
Comment: The p.R351G variant (also known as c.1051C>G), located in coding exon 6 of the MYOM1 gene, results from a C to G substitution at nucleotide position 1051. The arginine at codon 351 is replaced by glycine, an amino acid with dissimilar properties. This amino acid position is conserved. In addition, this alteration is predicted to be deleterious by in silico analysis. Since supporting evidence is limited at this time, the clinical significance of this alteration remains unclear.

NM_003803.4(MYOM1):c.1051C>G (p.Arg351Gly)

Gene: MYOM1 (myomesin 1; minus strand). Cytogenetic location: 18p11.31.
Variant type: single nucleotide variant.
Coding change: c.1051C>G on transcript NM_003803.4 (MANE Select); coding-DNA position 1051, C replaced by G.
Protein change: p.Arg351Gly; replaces arginine 351 with glycine.
Molecular consequence: missense variant.
Genome position (GRCh38, 1-based): chr18:3,174,180, G>C on the plus strand (C>G on the coding strand, the complement: MYOM1 is on the minus strand). VCF-style: chr18-3174180-G-C. GRCh37 (hg19) VCF-style: chr18-3174178-G-C.
Other names: c.1051C>G, p.Arg351Gly (NM_019856.2); short protein forms R351G.
Identifiers: ClinVar variation 1777264 (VCV001777264.2), dbSNP rs375848036, ClinGen allele CA401715738.
Genomic context (GRCh38, chr18:3,174,180, plus strand): 5'-TTTTTACCACAACTGAAGCATATGCCGAAAGCTCTCCTTTAACATTCATCGCCGAGGCCC[G>C]GTACTGAGCTGTATCTTCAAAATCACATCTGAAAGAACAGACGGAAATGAATATCCATCG-3'
Protein context (NP_003794.3, residues 341-361): GCDFEDTAQY[Arg351Gly]ASAMNVKGEL